The following is an entry in ClinVar:

ClinVar aggregate classification (germline): Pathogenic. Review status: criteria provided, multiple submitters, no conflicts (2 of 4 stars). 2 submissions from 2 submitters: Pathogenic (2). Last evaluated 2023-10-08.

Conditions:
Carnitine palmitoyl transferase II deficiency, neonatal form. Also called: CARNITINE PALMITOYLTRANSFERASE II DEFICIENCY, ANTENATAL; CARNITINE PALMITOYLTRANSFERASE II DEFICIENCY, NEONATAL; Carnitine palmitoyltransferase II deficiency, lethal neonatal; CPT II DEFICIENCY, LETHAL NEONATAL; CPT2 DEFICIENCY, LETHAL NEONATAL. Identifiers: Orphanet 228308, MedGen C1833518, MONDO:0012136, OMIM 608836.
Carnitine palmitoyltransferase II deficiency. Also called: Carnitine Palmitoyltransferase 2 Deficiency. Identifiers: Orphanet 157, MedGen C0342790, MONDO:0015515.

Submissions (2):

Labcorp Genetics (formerly Invitae), Labcorp
Classification: Pathogenic for Carnitine palmitoyltransferase II deficiency. Last evaluated: 2023-10-08. Review status: criteria provided, single submitter. Criteria: Invitae Variant Classification Sherloc (09022015). Collection method: clinical testing. Allele origin: germline.
Comment: This sequence change creates a premature translational stop signal (p.Glu487*) in the CPT2 gene. It is expected to result in an absent or disrupted protein product. Loss-of-function variants in CPT2 are known to be pathogenic (PMID: 16781677, 16996287). This variant is not present in population databases (gnomAD no frequency). This premature translational stop signal has been observed in individual(s) with clinical features of CPT2-related conditions (PMID: 33532864). ClinVar contains an entry for this variant (Variation ID: 974479). For these reasons, this variant has been classified as Pathogenic.

Molecular Biology Laboratory, Fundació Puigvert
Classification: Pathogenic for Carnitine palmitoyl transferase II deficiency, neonatal form. Last evaluated: 2020-02-01. Review status: criteria provided, single submitter. Criteria: ACMG Guidelines, 2015. Collection method: research. Allele origin: maternal. Affected: yes. Study: KidneyPanel_2020.

Literature cited by the submitters: PubMed 16781677 (cited by Labcorp Genetics (formerly Invitae), Labcorp); PubMed 16996287 (cited by Labcorp Genetics (formerly Invitae), Labcorp); PubMed 33532864 (cited by Labcorp Genetics (formerly Invitae), Labcorp and Molecular Biology Laboratory, Fundació Puigvert).

NM_000098.3(CPT2):c.1459G>T (p.Glu487Ter)

Gene: CPT2 (carnitine palmitoyltransferase 2; plus strand). Cytogenetic location: 1p32.3.
Variant type: single nucleotide variant.
Coding change: c.1459G>T on transcript NM_000098.3 (MANE Select); coding-DNA position 1459, G replaced by T.
Protein change: p.Glu487Ter; replaces glutamic acid 487 with a stop codon.
Molecular consequence: nonsense.
Genome position (GRCh38, 1-based): chr1:53,211,133, G>T. VCF-style: chr1-53211133-G-T. GRCh37 (hg19) VCF-style: chr1-53676805-G-T.
Other names: c.1459G>T, p.Glu487Ter (NM_001330589.2); short protein forms E487*.
Identifiers: ClinVar variation 974479 (VCV000974479.4), dbSNP rs778743524, ClinGen allele CA340395989.